The following is an entry in ClinVar:

NM_000052.7(ATP7A):c.1207C>T (p.Pro403Ser)

Gene: ATP7A (ATPase copper transporting alpha; plus strand). Cytogenetic location: Xq21.1.
Variant type: single nucleotide variant.
Coding change: c.1207C>T on transcript NM_000052.7 (MANE Select); coding-DNA position 1207, C replaced by T.
Protein change: p.Pro403Ser; replaces proline 403 with serine.
Molecular consequence: missense variant.
Genome position (GRCh38, 1-based): chrX:77,989,829, C>T. VCF-style: chrX-77989829-C-T. GRCh37 (hg19) VCF-style: chrX-77245325-C-T.
Other names: c.1207C>T, p.Pro403Ser (NM_001282224.2); short protein forms P403S.
Identifiers: ClinVar variation 2015582 (VCV002015582.4), dbSNP rs2522295027, ClinGen allele CA413602052.

ClinVar aggregate classification (germline): Uncertain significance (1 of 4 stars; one submission).

Conditions:
Menkes kinky-hair syndrome (MNK). Also called: Copper transport disease; Menkes Disease; Classic Menkes Disease. Identifiers: Orphanet 565, MedGen C0022716, MONDO:0010651, OMIM 309400.
Cutis laxa, X-linked (OHS). Also called: EDS IX; Occipital horn syndrome. Identifiers: Orphanet 198, MedGen C0268353, MONDO:0010572, OMIM 304150.
X-linked distal spinal muscular atrophy type 3. Also called: ATP7A-Related Distal Motor Neuropathy; SPINAL MUSCULAR ATROPHY, DISTAL, X-LINKED RECESSIVE; NEURONOPATHY, DISTAL HEREDITARY MOTOR, X-LINKED; NEUROPATHY, DISTAL HEREDITARY MOTOR, X-LINKED. Identifiers: Orphanet 139557, MedGen C1845359, MONDO:0010338, OMIM 300489.

Submission:

Labcorp Genetics (formerly Invitae), Labcorp
Classification: Uncertain significance for X-linked distal spinal muscular atrophy type 3; Cutis laxa, X-linked; Menkes kinky-hair syndrome. Last evaluated: 2022-07-09. Review status: criteria provided, single submitter. Criteria: Invitae Variant Classification Sherloc (09022015). Collection method: clinical testing. Allele origin: germline.
Comment: In summary, the available evidence is currently insufficient to determine the role of this variant in disease. Therefore, it has been classified as a Variant of Uncertain Significance. Advanced modeling of protein sequence and biophysical properties (such as structural, functional, and spatial information, amino acid conservation, physicochemical variation, residue mobility, and thermodynamic stability) performed at Invitae indicates that this missense variant is not expected to disrupt ATP7A protein function. This variant has not been reported in the literature in individuals affected with ATP7A-related conditions. This variant is not present in population databases (gnomAD no frequency). This sequence change replaces proline, which is neutral and non-polar, with serine, which is neutral and polar, at codon 403 of the ATP7A protein (p.Pro403Ser).